The following is an entry in ClinVar:

NM_015404.4(WHRN):c.1886C>T (p.Pro629Leu)

Gene: WHRN (whirlin; minus strand). Cytogenetic location: 9q32.
Variant type: single nucleotide variant.
Coding change: c.1886C>T on transcript NM_015404.4 (MANE Select); coding-DNA position 1886, C replaced by T.
Protein change: p.Pro629Leu; replaces proline 629 with leucine.
Molecular consequence: missense variant.
Genome position (GRCh38, 1-based): chr9:114,406,705, G>A on the plus strand (C>T on the coding strand, the complement: WHRN is on the minus strand). VCF-style: chr9-114406705-G-A. GRCh37 (hg19) VCF-style: chr9-117168985-G-A.
Other names: c.737C>T, p.Pro246Leu (NM_001083885.3); c.1886C>T, p.Pro629Leu (NM_001173425.2); c.833C>T, p.Pro278Leu (NM_001346890.1); short protein forms P246L, P278L, P629L.
Identifiers: ClinVar variation 1016041 (VCV001016041.6), dbSNP rs752516364, ClinGen allele CA5205789.

ClinVar aggregate classification (germline): Uncertain significance (1 of 4 stars; one submission).

Allele frequency attached by ClinVar (database versions not stated): gnomAD exomes 0.00001; ExAC 0.00002; TOPMed 0.00003; gnomAD 0.00005.

Submission:

Labcorp Genetics (formerly Invitae), Labcorp
Classification: Uncertain significance. Last evaluated: 2024-12-24. Review status: criteria provided, single submitter. Criteria: Invitae Variant Classification Sherloc (09022015). Collection method: clinical testing. Allele origin: germline.
Comment: This sequence change replaces proline, which is neutral and non-polar, with leucine, which is neutral and non-polar, at codon 629 of the WHRN protein (p.Pro629Leu). This variant is present in population databases (rs752516364, gnomAD 0.003%). This variant has not been reported in the literature in individuals affected with WHRN-related conditions. ClinVar contains an entry for this variant (Variation ID: 1016041). An algorithm developed to predict the effect of missense changes on protein structure and function outputs the following: PolyPhen-2: "Benign". The leucine amino acid residue is found in multiple mammalian species, which suggests that this missense change does not adversely affect protein function. In summary, the available evidence is currently insufficient to determine the role of this variant in disease. Therefore, it has been classified as a Variant of Uncertain Significance.